The following is an entry in ClinVar:

ClinVar aggregate classification (germline): Uncertain significance. Review status: criteria provided, multiple submitters, no conflicts (2 of 4 stars). 5 submissions from 5 submitters: Uncertain significance (4). 1 of the submissions does not count toward it. Last evaluated 2025-02-05.

Conditions:
RASopathy. Also called: rasopathies; Noonan spectrum disorder. Identifiers: Orphanet 536391, MedGen C5555857, MONDO:0021060.
Cardiovascular phenotype. Identifiers: MedGen CN230736.
Noonan syndrome 4 (NS4). Also called: NOONAN SYNDROME WITH PIGMENTED VILLONODULAR SYNOVITIS; SOS1-Related Noonan Syndrome. Identifiers: Orphanet 648, MedGen C1853120, MONDO:0012547, OMIM 610733.

Allele frequency attached by ClinVar (database versions not stated): gnomAD exomes below 0.00001; ExAC 0.00001; gnomAD 0.00001; TOPMed 0.00001.
gnomAD v4.1: 6 of 1,613,210 alleles (0.00037%); highest among the groups gnomAD compares: African/African-American, 0.0013%; no homozygotes.

Submissions (5):

St. Jude Molecular Pathology, St. Jude Children's Research Hospital
Classification: Uncertain significance for Noonan syndrome 4. Last evaluated: 2025-02-05. Review status: criteria provided, single submitter. Criteria: St. Jude Assertion Criteria 2020. Collection method: clinical testing. Allele origin: germline.
Comment: The SOS1 c.800T>C (p.Val267Ala) missense change has a maximum subpopulation frequency of 0.0009% in gnomAD v2.1.1. The in silico tool REVEL predicts a deleterious effect on protein function, but to our knowledge this prediction has not been confirmed by functional studies. This variant occurs in a gene where missense variants are more likely to be damaging based on methods described by Lek et al. (PMID: 27535533). To our knowledge, this variant has not been reported in individuals with Noonan syndrome. In summary, the evidence currently available is insufficient to determine the clinical significance of this variant. It has therefore been classified as of uncertain significance.

Labcorp Genetics (formerly Invitae), Labcorp
Classification: Uncertain significance for RASopathy. Last evaluated: 2024-11-12. Review status: criteria provided, single submitter. Criteria: Invitae Variant Classification Sherloc (09022015). Collection method: clinical testing. Allele origin: germline.
Comment: This sequence change replaces valine, which is neutral and non-polar, with alanine, which is neutral and non-polar, at codon 267 of the SOS1 protein (p.Val267Ala). This variant is present in population databases (rs748234666, gnomAD 0.0009%). This variant has not been reported in the literature in individuals affected with SOS1-related conditions. ClinVar contains an entry for this variant (Variation ID: 1761641). Invitae Evidence Modeling of protein sequence and biophysical properties (such as structural, functional, and spatial information, amino acid conservation, physicochemical variation, residue mobility, and thermodynamic stability) indicates that this missense variant is expected to disrupt SOS1 protein function with a positive predictive value of 80%. In summary, the available evidence is currently insufficient to determine the role of this variant in disease. Therefore, it has been classified as a Variant of Uncertain Significance.

GeneDx
Classification: Uncertain significance. Last evaluated: 2023-03-10. Review status: criteria provided, single submitter. Criteria: GeneDx Variant Classification Process June 2021. Collection method: clinical testing. Allele origin: germline. Affected: yes.
Comment: In silico analysis supports that this missense variant has a deleterious effect on protein structure/function; Missense variants in this gene are often considered pathogenic (HGMD); Has not been previously published as pathogenic or benign to our knowledge; This variant is associated with the following publications: (PMID: 29493581)

Ambry Genetics
Classification: Uncertain significance for Cardiovascular phenotype. Last evaluated: 2020-03-28. Review status: criteria provided, single submitter. Criteria: Ambry Variant Classification Scheme 2023. Collection method: clinical testing. Allele origin: germline.
Comment: The p.V267A variant (also known as c.800T>C), located in coding exon 6 of the SOS1 gene, results from a T to C substitution at nucleotide position 800. The valine at codon 267 is replaced by alanine, an amino acid with similar properties. This amino acid position is highly conserved in available vertebrate species. In addition, this alteration is predicted to be deleterious by in silico analysis. Since supporting evidence is limited at this time, the clinical significance of this alteration remains unclear.

Zotz-Klimas Genetics Lab, MVZ Zotz Klimas
Classification: Uncertain significance for Noonan syndrome 4. Last evaluated: 2023-11-24. Review status: no assertion criteria provided. Collection method: clinical testing. Allele origin: germline. Affected: yes. Not counted in ClinVar's aggregate classification.

NM_005633.4(SOS1):c.800T>C (p.Val267Ala)

Gene: SOS1 (SOS Ras/Rac guanine nucleotide exchange factor 1; minus strand). Cytogenetic location: 2p22.1.
Variant type: single nucleotide variant.
Coding change: c.800T>C on transcript NM_005633.4 (MANE Select); coding-DNA position 800, T replaced by C.
Protein change: p.Val267Ala; replaces valine 267 with alanine.
Molecular consequence: missense variant.
Genome position (GRCh38, 1-based): chr2:39,051,208, A>G on the plus strand (T>C on the coding strand, the complement: SOS1 is on the minus strand). VCF-style: chr2-39051208-A-G. GRCh37 (hg19) VCF-style: chr2-39278349-A-G.
Other names: c.779T>C, p.Val260Ala (NM_001382394.1); c.800T>C, p.Val267Ala (NM_001382395.1); short protein forms V260A, V267A.
Identifiers: ClinVar variation 1761641 (VCV001761641.8), dbSNP rs748234666, ClinGen allele CA1624720.
Genomic context (GRCh38, chr2:39,051,208, plus strand): 5'-GCTAAGTCTTCAAAGCAGCTTCCTACTAGTGGATGGGGACTGCCTTCATCTGTCATTTCT[A>G]CTGTATCTTCTATATGGCCCAGTAACTTTACACTAAGTTCATGTATATCTACTATGCGAC-3'
Protein context (NP_005624.2, residues 257-277): VKLLGHIEDT[Val267Ala]EMTDEGSPHP